The following is an entry in ClinVar:

NM_001242957.3(MAK):c.485C>T (p.Thr162Ile)

Gene: MAK (male germ cell associated kinase; minus strand). Cytogenetic location: 6p24.2.
Variant type: single nucleotide variant.
Coding change: c.485C>T on transcript NM_001242957.3 (MANE Select); coding-DNA position 485, C replaced by T.
Protein change: p.Thr162Ile; replaces threonine 162 with isoleucine.
Molecular consequence: missense variant. On other transcripts: non-coding transcript variant (2).
Genome position (GRCh38, 1-based): chr6:10,808,816, G>A on the plus strand (C>T on the coding strand, the complement: MAK is on the minus strand). VCF-style: chr6-10808816-G-A. GRCh37 (hg19) VCF-style: chr6-10809049-G-A.
Other names: c.485C>T, p.Thr162Ile (NM_001242385.2, NM_005906.6); c.383C>T, p.Thr128Ile (NM_001377262.1); short protein forms T162I, T128I.
Identifiers: ClinVar variation 867222 (VCV000867222.8), dbSNP rs774229391, ClinGen allele CA3633712.

ClinVar aggregate classification (germline): Conflicting classifications of pathogenicity. Review status: criteria provided, conflicting classifications (1 of 4 stars). 4 submissions from 4 submitters: Pathogenic (1); Likely pathogenic (2); Uncertain significance (1). Last evaluated 2025-12-26.

Conditions:
Retinitis pigmentosa (RP). Identifiers: Orphanet 791, MedGen C0035334, MeSH D012174, MONDO:0019200, OMIM 268000. Inheritance: Autosomal dominant, autosomal recessive and X linked inheritance.
MAK-related disorders.
MAK-related disorder. Also called: MAK-related condition.

Allele frequency attached by ClinVar (database versions not stated): ExAC 0.00002; gnomAD 0.00002; gnomAD exomes 0.00002; TOPMed 0.00005.
gnomAD v4.1: 83 of 1,613,720 alleles (0.0051%); highest among the groups gnomAD compares: Non-Finnish European, 0.0068%; no homozygotes.

Submissions (4):

PreventionGenetics, part of Exact Sciences
Classification: Likely pathogenic for MAK-related condition. Last evaluated: 2025-12-26. Review status: criteria provided, single submitter. Criteria: ACMG Guidelines, 2015. Collection method: clinical testing. Allele origin: germline.
Comment: The MAK c.485C>T variant is predicted to result in the amino acid substitution p.Thr162Ile. This variant has been reported along with a MAK multi-exon deletion in an individual with retinal disease (Table S1, Stone et al. 2017. PubMed ID: 28559085). This variant has also been reported in the homozygous state in two individuals with retinal disease (Lew et al. 2018. PubMed ID: 29103961). This variant is present in 0.0046% of alleles in individuals of European (Non-Finnish) descent in gnomAD. Given the evidence, we interpret this variant as likely pathogenic.

Blueprint Genetics
Classification: Pathogenic for MAK-related disorders. Last evaluated: 2023-05-22. Review status: criteria provided, single submitter. Criteria: ACMG Guidelines, 2015. Collection method: clinical testing. Allele origin: germline. Affected: yes. Observed: 5 variant alleles.

Women's Health and Genetics/Laboratory Corporation of America, LabCorp
Classification: Likely pathogenic for Retinitis pigmentosa. Last evaluated: 2022-09-01. Review status: criteria provided, single submitter. Criteria: LabCorp Variant Classification Summary - May 2015. Collection method: clinical testing. Allele origin: germline.
Comment: Variant summary: MAK c.485C>T (p.Thr162Ile) results in a non-conservative amino acid change located in the Protein kinase domain (IPR000719) of the encoded protein sequence. Five of five in-silico tools predict a damaging effect of the variant on protein function. The variant allele was found at a frequency of 2e-05 in 251310 control chromosomes (gnomAD). c.485C>T has been reported in the literature as a biallelic genotype in individuals affected with Retinitis Pigmentosa (Stone_2017, Lew_2018). These data indicate that the variant is likely to be associated with disease. To our knowledge, no experimental evidence demonstrating an impact on protein function has been reported. Two ClinVar submitters have assessed the variant since 2014: one classified the variant as likely pathogenic, and one classified the variant as uncertain significance. Based on the evidence outlined above, the variant was classified as likely pathogenic.

Labcorp Genetics (formerly Invitae), Labcorp
Classification: Uncertain significance. Last evaluated: 2022-07-12. Review status: criteria provided, single submitter. Criteria: Invitae Variant Classification Sherloc (09022015). Collection method: clinical testing. Allele origin: germline.
Comment: This sequence change replaces threonine, which is neutral and polar, with isoleucine, which is neutral and non-polar, at codon 162 of the MAK protein (p.Thr162Ile). This variant is present in population databases (rs774229391, gnomAD 0.005%). This missense change has been observed in individual(s) with retinitis pigmentosa (PMID: 28559085). ClinVar contains an entry for this variant (Variation ID: 867222). Experimental studies and prediction algorithms are not available or were not evaluated, and the functional significance of this variant is currently unknown. In summary, the available evidence is currently insufficient to determine the role of this variant in disease. Therefore, it has been classified as a Variant of Uncertain Significance.

Literature cited by the submitters: PubMed 28559085 (cited by Women's Health and Genetics/Laboratory Corporation of America, LabCorp and Labcorp Genetics (formerly Invitae), Labcorp); PubMed 29103961 (cited by Women's Health and Genetics/Laboratory Corporation of America, LabCorp).